The following is an entry in ClinVar:

NM_015065.3(EXPH5):c.5802G>C (p.Glu1934Asp)

Gene: EXPH5 (exophilin 5; minus strand). Cytogenetic location: 11q22.3.
Variant type: single nucleotide variant.
Coding change: c.5802G>C on transcript NM_015065.3 (MANE Select); coding-DNA position 5802, G replaced by C.
Protein change: p.Glu1934Asp; replaces glutamic acid 1934 with aspartic acid.
Molecular consequence: missense variant.
Genome position (GRCh38, 1-based): chr11:108,509,705, C>G on the plus strand (G>C on the coding strand, the complement: EXPH5 is on the minus strand). VCF-style: chr11-108509705-C-G. GRCh37 (hg19) VCF-style: chr11-108380432-C-G.
Other names: c.5574G>C, p.Glu1858Asp (NM_001144763.2, NM_001441061.1, NM_001441067.1 and 5 more transcripts); c.5334G>C, p.Glu1778Asp (NM_001144764.2); c.5238G>C, p.Glu1746Asp (NM_001144765.2); c.5781G>C, p.Glu1927Asp (NM_001308019.2); c.5799G>C, p.Glu1933Asp (NM_001441059.1); c.5778G>C, p.Glu1926Asp (NM_001441060.1); c.5571G>C, p.Glu1857Asp (NM_001441073.1, NM_001441074.1, NM_001441075.1); c.5331G>C, p.Glu1777Asp (NM_001441076.1); short protein forms E1857D, E1926D, E1933D, E1746D, E1777D, E1778D, E1858D, E1934D.
Identifiers: ClinVar variation 4695638 (VCV004695638.1).
Genomic context (GRCh38, chr11:108,509,705, plus strand): 5'-TTCACTTGGAGATAAGCCATCTTCTGGCACCTGACTACTGGGAGAATTTGAGCTTAATGA[C>G]TCTGAGGGGTTGGGAGGGTTCCTCAAATCATCTTTTAGGAAGCCAGGGTTCTTAAGAAAA-3'
Protein context (NP_055880.2, residues 1924-1944): DDLRNPPNPS[Glu1934Asp]SLSSNSPSSQ

ClinVar aggregate classification (germline): Uncertain significance (1 of 4 stars; one submission).

gnomAD v4.1: 28 of 1,612,254 alleles (0.0017%); highest among the groups gnomAD compares: Non-Finnish European, 0.00093%; no homozygotes.

Submission:

Labcorp Genetics (formerly Invitae), Labcorp
Classification: Uncertain significance. Last evaluated: 2025-10-09. Review status: criteria provided, single submitter. Criteria: Invitae Variant Classification Sherloc (09022015). Collection method: clinical testing. Allele origin: germline.
Comment: This sequence change replaces glutamic acid, which is acidic and polar, with aspartic acid, which is acidic and polar, at codon 1934 of the EXPH5 protein (p.Glu1934Asp). This variant is present in population databases (rs374304109, gnomAD 0.07%). This variant has not been reported in the literature in individuals affected with EXPH5-related conditions. An algorithm developed to predict the effect of missense changes on protein structure and function outputs the following: PolyPhen-2: "Possibly Damaging". The aspartic acid amino acid residue is found in multiple mammalian species, which suggests that this missense change does not adversely affect protein function. In summary, the available evidence is currently insufficient to determine the role of this variant in disease. Therefore, it has been classified as a Variant of Uncertain Significance.